The following is an entry in ClinVar:

NM_020937.4(FANCM):c.2642A>G (p.Asp881Gly)

Gene: FANCM (FA complementation group M; plus strand). Cytogenetic location: 14q21.2.
Variant type: single nucleotide variant.
Coding change: c.2642A>G on transcript NM_020937.4 (MANE Select); coding-DNA position 2642, A replaced by G.
Protein change: p.Asp881Gly; replaces aspartic acid 881 with glycine.
Molecular consequence: missense variant.
Genome position (GRCh38, 1-based): chr14:45,175,396, A>G. VCF-style: chr14-45175396-A-G. GRCh37 (hg19) VCF-style: chr14-45644599-A-G.
Other names: c.2564A>G, p.Asp855Gly (NM_001308133.2); short protein forms D855G, D881G.
Identifiers: ClinVar variation 2415414 (VCV002415414.7), dbSNP rs968026843, ClinGen allele CA259627830.
Genomic context (GRCh38, chr14:45,175,396, plus strand): 5'-TAAAAAAAGATCAGCTTAAAAAAGAAAATAATCACGGTATTATAGATTCTGTAGATAATG[A>G]CAGAAATTCCACTGTTGAAAATATTTTTCAAGAAGACCTACCAAATGATAAAAGGACATC-3'
Protein context (NP_065988.1, residues 871-891): NHGIIDSVDN[Asp881Gly]RNSTVENIFQ

ClinVar aggregate classification (germline): Uncertain significance. Review status: criteria provided, multiple submitters, no conflicts (2 of 4 stars). 3 submissions from 3 submitters: Uncertain significance (3). Last evaluated 2024-12-12.

Conditions:
Fanconi anemia (FA). Also called: Fanconi's anemia. Identifiers: Orphanet 84, MedGen C0015625, MeSH D005199, MONDO:0019391.
Inborn genetic diseases. Identifiers: MedGen C0950123, MeSH D030342.

Allele frequency attached by ClinVar (database versions not stated): gnomAD exomes 0.00001.
gnomAD v4.1: 14 of 1,566,184 alleles (0.00089%); highest among the groups gnomAD compares: Non-Finnish European, 0.0012%; no homozygotes.

Submissions (3):

Ambry Genetics
Classification: Uncertain significance for Inborn genetic diseases. Last evaluated: 2024-12-12. Review status: criteria provided, single submitter. Criteria: Ambry Variant Classification Scheme 2023. Collection method: clinical testing. Allele origin: germline.
Comment: The p.D881G variant (also known as c.2642A>G), located in coding exon 14 of the FANCM gene, results from an A to G substitution at nucleotide position 2642. The aspartic acid at codon 881 is replaced by glycine, an amino acid with similar properties. This amino acid position is conserved. In addition, this alteration is predicted to be tolerated by in silico analysis. Based on the available evidence, the clinical significance of this variant remains unclear.

GeneDx
Classification: Uncertain significance. Last evaluated: 2023-08-15. Review status: criteria provided, single submitter. Criteria: GeneDx Variant Classification Process June 2021. Collection method: clinical testing. Allele origin: germline.
Comment: Not observed at significant frequency in large population cohorts (gnomAD); In silico analysis supports that this missense variant does not alter protein structure/function; Has not been previously published as pathogenic or benign to our knowledge

Labcorp Genetics (formerly Invitae), Labcorp
Classification: Uncertain significance for Fanconi anemia. Last evaluated: 2022-07-13. Review status: criteria provided, single submitter. Criteria: Invitae Variant Classification Sherloc (09022015). Collection method: clinical testing. Allele origin: germline.
Comment: In summary, the available evidence is currently insufficient to determine the role of this variant in disease. Therefore, it has been classified as a Variant of Uncertain Significance. Algorithms developed to predict the effect of missense changes on protein structure and function output the following: SIFT: "Tolerated"; PolyPhen-2: "Benign"; Align-GVGD: "Class C0". The glycine amino acid residue is found in multiple mammalian species, which suggests that this missense change does not adversely affect protein function. This variant has not been reported in the literature in individuals affected with FANCM-related conditions. This variant is not present in population databases (gnomAD no frequency). This sequence change replaces aspartic acid, which is acidic and polar, with glycine, which is neutral and non-polar, at codon 881 of the FANCM protein (p.Asp881Gly).